The following is an entry in ClinVar:

ClinVar aggregate classification (germline): Conflicting classifications of pathogenicity. Review status: criteria provided, conflicting classifications (1 of 4 stars). 3 submissions from 3 submitters: Uncertain significance (2); Likely benign (1). Last evaluated 2025-04-29.

Conditions:
Colorectal cancer. Also called: Malignant Colorectal Neoplasm; Colorectal cancer, somatic. Identifiers: MedGen C0346629, MONDO:0005575, OMIM 114500.
Hereditary cancer-predisposing syndrome. Also called: Neoplastic Syndromes, Hereditary; Hereditary Cancer Syndrome; Tumor predisposition; Hereditary neoplastic syndrome. Identifiers: Orphanet 140162, MedGen C0027672, MeSH D009386, MONDO:0015356.
Oligodontia-cancer predisposition syndrome. Also called: TOOTH AGENESIS-COLORECTAL CANCER SYNDROME. Identifiers: Orphanet 300576, MedGen C1837750, MONDO:0012075, OMIM 608615. Disease mechanism: loss of function.

Allele frequency attached by ClinVar (database versions not stated): TOPMed 0.00002.

Submissions (3):

Ambry Genetics
Classification: Likely benign for Hereditary cancer-predisposing syndrome. Last evaluated: 2025-04-29. Review status: criteria provided, single submitter. Criteria: Ambry Variant Classification Scheme 2023. Collection method: clinical testing. Allele origin: germline.

Labcorp Genetics (formerly Invitae), Labcorp
Classification: Uncertain significance for Oligodontia-cancer predisposition syndrome. Last evaluated: 2025-01-30. Review status: criteria provided, single submitter. Criteria: Invitae Variant Classification Sherloc (09022015). Collection method: clinical testing. Allele origin: germline.
Comment: This sequence change replaces alanine, which is neutral and non-polar, with threonine, which is neutral and polar, at codon 684 of the AXIN2 protein (p.Ala684Thr). This variant is not present in population databases (gnomAD no frequency). This variant has not been reported in the literature in individuals affected with AXIN2-related conditions. ClinVar contains an entry for this variant (Variation ID: 1036060). Invitae Evidence Modeling of protein sequence and biophysical properties (such as structural, functional, and spatial information, amino acid conservation, physicochemical variation, residue mobility, and thermodynamic stability) indicates that this missense variant is not expected to disrupt AXIN2 protein function with a negative predictive value of 80%. In summary, the available evidence is currently insufficient to determine the role of this variant in disease. Therefore, it has been classified as a Variant of Uncertain Significance.

Baylor Genetics
Classification: Uncertain significance for Colorectal cancer. Last evaluated: 2023-06-26. Review status: criteria provided, single submitter. Criteria: ACMG Guidelines, 2015. Collection method: clinical testing. Allele origin: unknown.

NM_004655.4(AXIN2):c.2050G>A (p.Ala684Thr)

Gene: AXIN2 (axin 2; minus strand). Cytogenetic location: 17q24.1.
Variant type: single nucleotide variant.
Coding change: c.2050G>A on transcript NM_004655.4 (MANE Select); coding-DNA position 2050, G replaced by A.
Protein change: p.Ala684Thr; replaces alanine 684 with threonine.
Molecular consequence: missense variant.
Genome position (GRCh38, 1-based): chr17:65,536,411, C>T on the plus strand (G>A on the coding strand, the complement: AXIN2 is on the minus strand). VCF-style: chr17-65536411-C-T. GRCh37 (hg19) VCF-style: chr17-63532529-C-T.
Other names: c.1855G>A, p.Ala619Thr (NM_001363813.1); short protein forms A619T, A684T.
Identifiers: ClinVar variation 1036060 (VCV001036060.13), dbSNP rs1393284650, ClinGen allele CA400676087.